The following is an entry in ClinVar:

ClinVar aggregate classification (germline): Conflicting classifications of pathogenicity. Review status: criteria provided, conflicting classifications (1 of 4 stars). 5 submissions from 5 submitters: Uncertain significance (3); Likely benign (2). Last evaluated 2025-11-24.

Conditions:
Hereditary cancer-predisposing syndrome. Also called: Hereditary neoplastic syndrome; Neoplastic Syndromes, Hereditary; Tumor predisposition; Hereditary Cancer Syndrome. Identifiers: Orphanet 140162, MedGen C0027672, MeSH D009386, MONDO:0015356.
Hereditary breast ovarian cancer syndrome. Also called: BRCA1- and BRCA2-Associated Hereditary Breast and Ovarian Cancer; Hereditary breast and/or ovarian cancer syndrome; Hereditary breast and ovarian cancer syndrome; Hereditary breast and ovarian cancer syndrome (HBOC); Breast and ovarian cancer; Hereditary breast and ovarian cancer. Identifiers: Orphanet 145, MedGen C0677776, MeSH D061325, MONDO:0003582. Disease mechanism: loss of function.
Breast-ovarian cancer, familial, susceptibility to, 2 (BROVCA2). Also called: BRCA2 Hereditary Breast and Ovarian Cancer. Identifiers: Orphanet 145, MedGen C2675520, MONDO:0012933, OMIM 612555. Disease mechanism: loss of function.

Allele frequency attached by ClinVar (database versions not stated): TOPMed below 0.00001.

Submissions (5):

Color Diagnostics, LLC DBA Color Health
Classification: Uncertain significance for Hereditary cancer-predisposing syndrome. Last evaluated: 2025-11-24. Review status: criteria provided, single submitter. Criteria: ACMG Guidelines, 2015. Collection method: clinical testing. Allele origin: germline.
Comment: This missense variant replaces proline with serine at codon 1613 of the BRCA2 protein. Computational prediction suggests that this variant may not impact protein structure and function. To our knowledge, functional studies have not been reported for this variant. This variant has been reported in an individual affected with breast cancer (PMID: 38538877). This variant has not been identified in the general population by the Genome Aggregation Database (gnomAD). The available evidence is insufficient to determine the role of this variant in disease conclusively. Therefore, this variant is classified as a Variant of Uncertain Significance.

Ambry Genetics
Classification: Likely benign for Hereditary cancer-predisposing syndrome. Last evaluated: 2024-05-10. Review status: criteria provided, single submitter. Criteria: Ambry Variant Classification Scheme 2023. Collection method: clinical testing. Allele origin: germline.

University of Washington Department of Laboratory Medicine, University of Washington
Classification: Likely benign for Hereditary cancer-predisposing syndrome. Last evaluated: 2023-03-23. Review status: criteria provided, single submitter. Criteria: Dines et al. (Genet Med. 2020). Collection method: curation. Allele origin: germline.
Comment: Missense variant in a coldspot region where missense variants are very unlikely to be pathogenic (PMID:31911673).

BRCA2 exon 11 coldspot. Reclassification based on statistical prior probability.

Labcorp Genetics (formerly Invitae), Labcorp
Classification: Uncertain significance for Hereditary breast ovarian cancer syndrome. Last evaluated: 2020-10-15. Review status: criteria provided, single submitter. Criteria: Invitae Variant Classification Sherloc (09022015). Collection method: clinical testing. Allele origin: germline.
Comment: This variant has not been reported in the literature in individuals with BRCA2-related conditions. Advanced modeling of protein sequence and biophysical properties (such as structural, functional, and spatial information, amino acid conservation, physicochemical variation, residue mobility, and thermodynamic stability) performed at Invitae indicates that this missense variant is not expected to disrupt BRCA2 protein function. In summary, the available evidence is currently insufficient to determine the role of this variant in disease. Therefore, it has been classified as a Variant of Uncertain Significance. This variant is not present in population databases (ExAC no frequency). This sequence change replaces proline with serine at codon 1613 of the BRCA2 protein (p.Pro1613Ser). The proline residue is moderately conserved and there is a moderate physicochemical difference between proline and serine.

Molecular Endocrinology Laboratory, Christian Medical College
Classification: Uncertain significance for Breast-ovarian cancer, familial, susceptibility to, 2. Review status: criteria provided, single submitter. Criteria: ACMG Guidelines, 2015. Collection method: clinical testing. Allele origin: germline. Affected: yes.

Literature cited by the submitters: PubMed 38538877 (cited by Color Diagnostics, LLC DBA Color Health).

NM_000059.4(BRCA2):c.4837C>T (p.Pro1613Ser)

Gene: BRCA2 (BRCA2 DNA repair associated; plus strand). Cytogenetic location: 13q13.1.
Variant type: single nucleotide variant.
Coding change: c.4837C>T on transcript NM_000059.4 (MANE Select); coding-DNA position 4837, C replaced by T.
Protein change: p.Pro1613Ser; replaces proline 1613 with serine.
Molecular consequence: missense variant.
Genome position (GRCh38, 1-based): chr13:32,339,192, C>T. VCF-style: chr13-32339192-C-T. GRCh37 (hg19) VCF-style: chr13-32913329-C-T.
Other names: c.4837C>T (NM_000059.3); short protein forms P1613S.
Identifiers: ClinVar variation 1026713 (VCV001026713.14), dbSNP rs2072513922, ClinGen allele CA387783340.